The following is an entry in ClinVar:

NM_001308120.2(TOGARAM1):c.4228C>T (p.Arg1410Cys)

Gene: TOGARAM1 (TOG array regulator of axonemal microtubules 1; plus strand). Cytogenetic location: 14q21.2.
Variant type: single nucleotide variant.
Coding change: c.4228C>T on transcript NM_001308120.2 (MANE Select); coding-DNA position 4228, C replaced by T.
Protein change: p.Arg1410Cys; replaces arginine 1410 with cysteine.
Molecular consequence: missense variant. On other transcripts: non-coding transcript variant (1), intron variant (1).
Genome position (GRCh38, 1-based): chr14:45,046,618, C>T. VCF-style: chr14-45046618-C-T. GRCh37 (hg19) VCF-style: chr14-45515821-C-T.
Other names: c.4154+1748C>T (NM_015091.4); short protein forms R1410C.
Identifiers: ClinVar variation 2644207 (VCV002644207.24), dbSNP rs570507930, ClinGen allele CA7167705.

ClinVar aggregate classification (germline): Likely benign (1 of 4 stars; one submission).

Allele frequency attached by ClinVar (database versions not stated): ExAC 0.00028; TOPMed 0.00033; 1000 Genomes Project 30x 0.00062; 1000 Genomes Project 0.00080.
gnomAD v4.1: 74 of 1,418,786 alleles (0.0052%); highest among the groups gnomAD compares: African/African-American, 0.097%; no homozygotes.

Submission:

CeGaT Center for Human Genetics Tuebingen
Classification: Likely benign. Last evaluated: 2022-08-01. Review status: criteria provided, single submitter. Criteria: CeGaT Center For Human Genetics Tuebingen Variant Classification Criteria Version 2. Collection method: clinical testing. Allele origin: germline. Affected: yes. Observed: 1 variant allele.
Comment: TOGARAM1: BP4